The following is an entry in ClinVar:

NM_006379.5(SEMA3C):c.1734T>A (p.Ile578=)

Gene: SEMA3C (semaphorin 3C; minus strand). Cytogenetic location: 7q21.11.
Variant type: single nucleotide variant.
Coding change: c.1734T>A on transcript NM_006379.5 (MANE Select); coding-DNA position 1734, T replaced by A.
Protein change: p.Ile578=; no amino-acid change (isoleucine 578 retained).
Molecular consequence: synonymous variant.
Genome position (GRCh38, 1-based): chr7:80,749,006, A>T on the plus strand (T>A on the coding strand, the complement: SEMA3C is on the minus strand). VCF-style: chr7-80749006-A-T. GRCh37 (hg19) VCF-style: chr7-80378322-A-T.
Other names: c.1788T>A, p.Ile596= (NM_001350120.2); c.1560T>A, p.Ile520= (NM_001350121.2).
Identifiers: ClinVar variation 3032693 (VCV003032693.2), dbSNP rs149101564, ClinGen allele CA4315994.

ClinVar aggregate classification (germline): Likely benign (0 of 4 stars; one submission).

Conditions:
SEMA3C-related disorder. Also called: SEMA3C-related condition.

Allele frequency attached by ClinVar (database versions not stated): gnomAD exomes 0.00004; ExAC 0.00012; gnomAD 0.00031; ESP Exome Variant Server 0.00038; TOPMed 0.00040; 1000 Genomes Project 0.00060; 1000 Genomes Project 30x 0.00062.
gnomAD v4.1: 104 of 1,607,164 alleles (0.0065%); highest among the groups gnomAD compares: African/African-American, 0.094%; no homozygotes.

Submission:

PreventionGenetics, part of Exact Sciences
Classification: Likely benign for SEMA3C-related condition. Last evaluated: 2021-11-29. Review status: no assertion criteria provided. Collection method: clinical testing. Allele origin: germline.
Comment: This variant is classified as likely benign based on ACMG/AMP sequence variant interpretation guidelines (Richards et al. 2015 PMID: 25741868, with internal and published modifications).